The following is an entry in ClinVar:

NM_007198.4(PLPBP):c.35G>C (p.Gly12Ala)

Genes: PLPBP (pyridoxal phosphate binding protein; plus strand), LOC113788277 (Sharpr-MPRA regulatory region 13802; plus strand). Cytogenetic location: 8p11.23.
Variant type: single nucleotide variant.
Coding change: c.35G>C on transcript NM_007198.4 (MANE Select); coding-DNA position 35, G replaced by C.
Protein change: p.Gly12Ala; replaces glycine 12 with alanine.
Molecular consequence: missense variant. On other transcripts: 5 prime UTR variant (1).
Genome position (GRCh38, 1-based): chr8:37,762,694, G>C. VCF-style: chr8-37762694-G-C. GRCh37 (hg19) VCF-style: chr8-37620212-G-C.
Other names: c.35G>C, p.Gly12Ala (NM_001349346.2, NM_001349347.2); c.-64G>C (NM_001349348.2); c.140G>C, p.Gly47Ala (NM_001349349.1); short protein forms G47A, G12A.
Identifiers: ClinVar variation 2078825 (VCV002078825.4), dbSNP rs754836644, ClinGen allele CA370665724.

ClinVar aggregate classification (germline): Uncertain significance (1 of 4 stars; one submission).

gnomAD v4.1: 1 of 1,590,942 alleles (0.000063%); highest among the groups gnomAD compares: Non-Finnish European, 0.000085%; no homozygotes.

Submission:

Labcorp Genetics (formerly Invitae), Labcorp
Classification: Uncertain significance. Last evaluated: 2022-06-08. Review status: criteria provided, single submitter. Criteria: Invitae Variant Classification Sherloc (09022015). Collection method: clinical testing. Allele origin: germline.
Comment: In summary, the available evidence is currently insufficient to determine the role of this variant in disease. Therefore, it has been classified as a Variant of Uncertain Significance. Algorithms developed to predict the effect of missense changes on protein structure and function (SIFT, PolyPhen-2, Align-GVGD) all suggest that this variant is likely to be tolerated. This variant has not been reported in the literature in individuals affected with PROSC-related conditions. This variant is not present in population databases (gnomAD no frequency). This sequence change replaces glycine, which is neutral and non-polar, with alanine, which is neutral and non-polar, at codon 12 of the PROSC protein (p.Gly12Ala).